The following is an entry in ClinVar:

ClinVar aggregate classification (germline): Uncertain significance (1 of 4 stars; one submission).

Conditions:
Inborn genetic diseases. Identifiers: MedGen C0950123, MeSH D030342.

gnomAD v4.1: 1 of 1,613,068 alleles (0.000062%); highest among the groups gnomAD compares: Non-Finnish European, 0.000085%; no homozygotes.

Submission:

Ambry Genetics
Classification: Uncertain significance for Inborn genetic diseases. Last evaluated: 2026-03-28. Review status: criteria provided, single submitter. Criteria: Ambry Variant Classification Scheme 2023. Collection method: clinical testing. Allele origin: germline.
Comment: The p.S851F variant (also known as c.2552C>T), located in coding exon 9 of the MECOM gene, results from a C to T substitution at nucleotide position 2552. The serine at codon 851 is replaced by phenylalanine, an amino acid with highly dissimilar properties. This amino acid position is conserved. In addition, the in silico prediction for this alteration is inconclusive. Based on the available evidence, the clinical significance of this variant remains unclear.

NM_004991.4(MECOM):c.2552C>T (p.Ser851Phe)

Gene: MECOM (MDS1 and EVI1 complex locus; minus strand). Cytogenetic location: 3q26.2.
Variant type: single nucleotide variant.
Coding change: c.2552C>T on transcript NM_004991.4 (MANE Select); coding-DNA position 2552, C replaced by T.
Protein change: p.Ser851Phe; replaces serine 851 with phenylalanine.
Molecular consequence: missense variant.
Genome position (GRCh38, 1-based): chr3:169,112,812, G>A on the plus strand (C>T on the coding strand, the complement: MECOM is on the minus strand). VCF-style: chr3-169112812-G-A. GRCh37 (hg19) VCF-style: chr3-168830600-G-A.
Other names: c.2183C>T, p.Ser728Phe (NM_001105077.4); c.1988C>T, p.Ser663Phe (NM_001105078.4, NM_001164000.2, NM_001205194.2 and 4 more transcripts); c.1991C>T, p.Ser664Phe (NM_001163999.2, NM_001366467.2, NM_001366468.2 and 1 more transcripts); c.2552C>T, p.Ser851Phe (NM_001366466.2); c.1580C>T, p.Ser527Phe (NM_001366473.2); c.1016C>T, p.Ser339Phe (NM_001366474.2); short protein forms S339F, S527F, S663F, S664F, S728F, S851F.
Identifiers: ClinVar variation 4859710 (VCV004859710.1).